The following is an entry in ClinVar:

NM_001372051.1(CASP8):c.1304+2T>C

Gene: CASP8 (caspase 8; plus strand). Cytogenetic location: 2q33.1.
Variant type: single nucleotide variant.
Coding change: c.1304+2T>C on transcript NM_001372051.1 (MANE Select); the canonical splice donor site of the intron after coding-DNA position 1304, T replaced by C.
Molecular consequence: splice donor variant.
Genome position (GRCh38, 1-based): chr2:201,285,319, T>C. VCF-style: chr2-201285319-T-C. GRCh37 (hg19) VCF-style: chr2-202150042-T-C.
Other names: c.1355+2T>C (NM_001228.5); c.1304+2T>C (NM_001400651.1, NM_001400657.1, NM_001400648.1 and 5 more transcripts); c.1259+2T>C (NM_001400663.1, NM_001400660.1, NM_001080124.2 and 5 more transcripts); c.662+2T>C (NM_001400677.1, NM_001400751.1, NM_001400678.1 and 2 more transcripts); c.995+2T>C (NM_001400669.1); c.689+2T>C (NM_001400680.1, NM_001400674.1); c.1481+2T>C (NM_001080125.2); c.1436+2T>C (NM_001400642.1); and 7 more.
Identifiers: ClinVar variation 1045083 (VCV001045083.5), dbSNP rs768000891, ClinGen allele CA63892974.

ClinVar aggregate classification (germline): Uncertain significance (1 of 4 stars; one submission).

Conditions:
Autoimmune lymphoproliferative syndrome type 2B. Also called: AUTOIMMUNE LYMPHOPROLIFERATIVE SYNDROME, TYPE IIB. Identifiers: Orphanet 275517, MedGen C1846545, MONDO:0011804, OMIM 607271.

Allele frequency attached by ClinVar (database versions not stated): gnomAD exomes 0.00001.
gnomAD v4.1: 5 of 1,612,996 alleles (0.00031%); highest among the groups gnomAD compares: Non-Finnish European, 0.00042%; no homozygotes.

Submission:

Labcorp Genetics (formerly Invitae), Labcorp
Classification: Uncertain significance for Autoimmune lymphoproliferative syndrome type 2B. Last evaluated: 2020-03-04. Review status: criteria provided, single submitter. Criteria: Invitae Variant Classification Sherloc (09022015). Collection method: clinical testing. Allele origin: germline.
Comment: Nucleotide substitutions within the consensus splice site are a relatively common cause of aberrant splicing (PMID: 17576681, 9536098). Algorithms developed to predict the effect of sequence changes on RNA splicing suggest that this variant may disrupt the consensus splice site, but this prediction has not been confirmed by published transcriptional studies. In summary, the available evidence is currently insufficient to determine the role of this variant in disease. Therefore, it has been classified as a Variant of Uncertain Significance. This variant has not been reported in the literature in individuals with CASP8-related conditions. This variant is not present in population databases (ExAC no frequency). This sequence change affects a donor splice site in the last intron (intron 9) of the CASP8 gene. While this is not anticipated to result in nonsense mediated decay, it likely alters RNA splicing and results in a disrupted protein product.

Literature cited by the submitters: PubMed 17576681; PubMed 9536098.